The following is an entry in ClinVar:

NM_017934.7(PHIP):c.3631C>G (p.Gln1211Glu)

Genes: IRAK1BP1 (interleukin 1 receptor associated kinase 1 binding protein 1; plus strand), PHIP (PHIP subunit of CUL4-Ring ligase complex; minus strand). Cytogenetic location: 6q14.1.
Variant type: single nucleotide variant.
Coding change: c.3631C>G on transcript NM_017934.7 (MANE Select); coding-DNA position 3631, C replaced by G.
Protein change: p.Gln1211Glu; replaces glutamine 1211 with glutamic acid.
Molecular consequence: missense variant.
Genome position (GRCh38, 1-based): chr6:78,961,715, G>C on the plus strand (C>G on the coding strand, the complement: PHIP is on the minus strand). VCF-style: chr6-78961715-G-C. GRCh37 (hg19) VCF-style: chr6-79671432-G-C.
Other names: short protein forms Q1211E.
Identifiers: ClinVar variation 4984316 (VCV004984316.1).
Genomic context (GRCh38, chr6:78,961,715, plus strand): 5'-TTCCTTTGATAGTAGCTACATCAAATGGTTCTAACCTGTAAAACCTGTTTTCCAGTCTTT[G>C]TTTAATTGTACTTAGATCCGTTGGATATGCCACTACTGTGCAATACATGGGATAGGCTTG-3'
Protein context (NP_060404.4, residues 1201-1221): AYPTDLSTIK[Gln1211Glu]RLENRFYRRV

ClinVar aggregate classification (germline): Uncertain significance (1 of 4 stars; one submission).

Conditions:
PHIP-related disorder. Also called: PHIP-related disorders; PHIP-related condition.

gnomAD v4.1: 2 of 1,612,410 alleles (0.00012%); highest among the groups gnomAD compares: Non-Finnish European, 0.00017%; no homozygotes.

Submission:

PreventionGenetics, part of Exact Sciences
Classification: Uncertain significance for PHIP-related condition. Last evaluated: 2025-11-18. Review status: criteria provided, single submitter. Criteria: ACMG Guidelines, 2015. Collection method: clinical testing. Allele origin: germline.
Comment: The PHIP c.3631C>G variant is predicted to result in the amino acid substitution p.Gln1211Glu. To our knowledge, this variant has not been reported in the literature or in a large population database (gnomAD), indicating this variant is rare. At this time, the clinical significance of this variant is uncertain due to the absence of conclusive functional and genetic evidence.